The following is an entry in ClinVar:

NM_000135.4(FANCA):c.1690A>C (p.Ile564Leu)

Gene: FANCA (FA complementation group A; minus strand). Cytogenetic location: 16q24.3.
Variant type: single nucleotide variant.
Coding change: c.1690A>C on transcript NM_000135.4 (MANE Select); coding-DNA position 1690, A replaced by C.
Protein change: p.Ile564Leu; replaces isoleucine 564 with leucine.
Molecular consequence: missense variant.
Genome position (GRCh38, 1-based): chr16:89,779,894, T>G on the plus strand (A>C on the coding strand, the complement: FANCA is on the minus strand). VCF-style: chr16-89779894-T-G. GRCh37 (hg19) VCF-style: chr16-89846302-T-G.
Other names: c.1690A>C, p.Ile564Leu (NM_001286167.3); short protein forms I564L.
Identifiers: ClinVar variation 884471 (VCV000884471.5), dbSNP rs1032990637, ClinGen allele CA286575399.

ClinVar aggregate classification (germline): Uncertain significance. Review status: criteria provided, multiple submitters, no conflicts (2 of 4 stars). 2 submissions from 2 submitters: Uncertain significance (2). Last evaluated 2022-04-08.

Conditions:
Fanconi anemia (FA). Also called: Fanconi's anemia. Identifiers: Orphanet 84, MedGen C0015625, MeSH D005199, MONDO:0019391.
Fanconi anemia complementation group A (FANCA). Also called: Fanconi anemia, group A; FANCA-Related Fanconi Anemia. Identifiers: Orphanet 84, MedGen C3469521, MONDO:0009215, OMIM 227650.

Allele frequency attached by ClinVar (database versions not stated): gnomAD 0.00001; TOPMed 0.00001.
gnomAD v4.1: 3 of 1,613,866 alleles (0.00019%); highest among the groups gnomAD compares: Middle Eastern, 0.017%; no homozygotes.

Submissions (2):

Labcorp Genetics (formerly Invitae), Labcorp
Classification: Uncertain significance for Fanconi anemia. Last evaluated: 2022-04-08. Review status: criteria provided, single submitter. Criteria: Invitae Variant Classification Sherloc (09022015). Collection method: clinical testing. Allele origin: germline.
Comment: This sequence change replaces isoleucine, which is neutral and non-polar, with leucine, which is neutral and non-polar, at codon 564 of the FANCA protein (p.Ile564Leu). This variant is not present in population databases (gnomAD no frequency). This variant has not been reported in the literature in individuals affected with FANCA-related conditions. ClinVar contains an entry for this variant (Variation ID: 884471). Algorithms developed to predict the effect of missense changes on protein structure and function are either unavailable or do not agree on the potential impact of this missense change (SIFT: "Deleterious"; PolyPhen-2: "Benign"; Align-GVGD: "Class C0"). In summary, the available evidence is currently insufficient to determine the role of this variant in disease. Therefore, it has been classified as a Variant of Uncertain Significance.

Illumina Laboratory Services, Illumina
Classification: Uncertain significance for Fanconi anemia complementation group A. Last evaluated: 2018-01-13. Review status: criteria provided, single submitter. Criteria: ICSL Variant Classification Criteria 13 December 2019. Collection method: clinical testing. Allele origin: germline.